The following is an entry in ClinVar:

NM_001127208.3(TET2):c.2146T>A (p.Ser716Thr)

Genes: TET2 (tet methylcytosine dioxygenase 2; plus strand), TET2-AS1 (TET2 antisense RNA 1; minus strand). Cytogenetic location: 4q24.
Variant type: single nucleotide variant.
Coding change: c.2146T>A on transcript NM_001127208.3 (MANE Select); coding-DNA position 2146, T replaced by A.
Protein change: p.Ser716Thr; replaces serine 716 with threonine.
Molecular consequence: missense variant.
Genome position (GRCh38, 1-based): chr4:105,236,088, T>A. VCF-style: chr4-105236088-T-A. GRCh37 (hg19) VCF-style: chr4-106157245-T-A.
Other names: c.2146T>A, p.Ser716Thr (NM_017628.4); short protein forms S716T.
Identifiers: ClinVar variation 3805934 (VCV003805934.1).

ClinVar aggregate classification (germline): Uncertain significance (1 of 4 stars; one submission).

gnomAD v4.1: 1 of 1,614,108 alleles (0.000062%); highest among the groups gnomAD compares: Non-Finnish European, 0.000085%; no homozygotes.

Submission:

Ambry Genetics
Classification: Uncertain significance. Last evaluated: 2025-01-05. Review status: criteria provided, single submitter. Criteria: Ambry Variant Classification Scheme 2023. Collection method: clinical testing. Allele origin: germline.
Comment: The p.S716T variant (also known as c.2146T>A), located in coding exon 1 of the TET2 gene, results from a T to A substitution at nucleotide position 2146. The serine at codon 716 is replaced by threonine, an amino acid with similar properties. This amino acid position is conserved. In addition, this alteration is predicted to be tolerated by in silico analysis. Based on the available evidence, the clinical significance of this variant remains unclear.